The following is an entry in ClinVar:

NM_005141.5(FGB):c.1191G>A (p.Met397Ile)

Gene: FGB (fibrinogen beta chain; plus strand). Cytogenetic location: 4q31.3.
Variant type: single nucleotide variant.
Coding change: c.1191G>A on transcript NM_005141.5 (MANE Select); coding-DNA position 1191, G replaced by A.
Protein change: p.Met397Ile; replaces methionine 397 with isoleucine.
Molecular consequence: missense variant. On other transcripts: intron variant (1).
Genome position (GRCh38, 1-based): chr4:154,569,746, G>A. VCF-style: chr4-154569746-G-A. GRCh37 (hg19) VCF-style: chr4-155490898-G-A.
Other names: c.1014G>A, p.Met338Ile (NM_001184741.1); c.1059G>A, p.Met353Ile (NM_001382759.1); c.1191G>A, p.Met397Ile (NM_001382760.1, NM_001382761.1, NM_001382765.1); c.891G>A, p.Met297Ile (NM_001382762.1); c.1182G>A, p.Met394Ile (NM_001382763.1); c.1081-27G>A (NM_001382764.1); short protein forms M338I, M394I, M297I, M353I, M397I.
Identifiers: ClinVar variation 2078262 (VCV002078262.4), dbSNP rs140466984, ClinGen allele CA3114738.
Genomic context (GRCh38, chr4:154,569,746, plus strand): 5'-AACAGCCGGTAATGCCCTCATGGATGGAGCATCTCAGCTGATGGGAGAAAACAGGACCAT[G>A]ACCATTCACAACGGCATGTTCTTCAGCACGTATGACAGAGACAATGACGGCTGGTATGTG-3'
Protein context (NP_005132.2, residues 387-407): ASQLMGENRT[Met397Ile]TIHNGMFFST

ClinVar aggregate classification (germline): Uncertain significance (1 of 4 stars; one submission).

Allele frequency attached by ClinVar (database versions not stated): ExAC 0.00001; gnomAD 0.00002; TOPMed 0.00002; ESP Exome Variant Server 0.00008.

Submission:

Labcorp Genetics (formerly Invitae), Labcorp
Classification: Uncertain significance. Last evaluated: 2025-06-12. Review status: criteria provided, single submitter. Criteria: Invitae Variant Classification Sherloc (09022015). Collection method: clinical testing. Allele origin: germline.
Comment: This sequence change replaces methionine, which is neutral and non-polar, with isoleucine, which is neutral and non-polar, at codon 397 of the FGB protein (p.Met397Ile). This variant is present in population databases (rs140466984, gnomAD 0.02%). This variant has not been reported in the literature in individuals affected with FGB-related conditions. ClinVar contains an entry for this variant (Variation ID: 2078262). Invitae Evidence Modeling of protein sequence and biophysical properties (such as structural, functional, and spatial information, amino acid conservation, physicochemical variation, residue mobility, and thermodynamic stability) has been performed for this missense variant. However, the output from this modeling did not meet the statistical confidence thresholds required to predict the impact of this variant on FGB protein function. In summary, the available evidence is currently insufficient to determine the role of this variant in disease. Therefore, it has been classified as a Variant of Uncertain Significance.